The following is an entry in ClinVar:

NM_033026.6(PCLO):c.9481A>G (p.Ile3161Val)

Gene: PCLO (piccolo presynaptic cytomatrix protein; minus strand). Cytogenetic location: 7q21.11.
Variant type: single nucleotide variant.
Coding change: c.9481A>G on transcript NM_033026.6 (MANE Select); coding-DNA position 9481, A replaced by G.
Protein change: p.Ile3161Val; replaces isoleucine 3161 with valine.
Molecular consequence: missense variant.
Genome position (GRCh38, 1-based): chr7:82,951,107, T>C on the plus strand (A>G on the coding strand, the complement: PCLO is on the minus strand). VCF-style: chr7-82951107-T-C. GRCh37 (hg19) VCF-style: chr7-82580423-T-C.
Other names: c.9481A>G, p.Ile3161Val (NM_014510.3); short protein forms I3161V.
Identifiers: ClinVar variation 2506069 (VCV002506069.1), dbSNP rs1795334338, ClinGen allele CA367908325.

ClinVar aggregate classification (germline): Uncertain significance (1 of 4 stars; one submission).

Allele frequency attached by ClinVar (database versions not stated): gnomAD exomes below 0.00001.
gnomAD v4.1: 3 of 1,613,844 alleles (0.00019%); highest among the groups gnomAD compares: Non-Finnish European, 0.000085%; no homozygotes.

Submission:

Women's Health and Genetics/Laboratory Corporation of America, LabCorp
Classification: Uncertain significance. Last evaluated: 2023-05-19. Review status: criteria provided, single submitter. Criteria: LabCorp Variant Classification Summary - May 2015. Collection method: clinical testing. Allele origin: germline.
Comment: Variant summary: PCLO c.9481A>G (p.Ile3161Val) results in a conservative amino acid change in the encoded protein sequence. Five of five in-silico tools predict a benign effect of the variant on protein function. The variant was absent in 248452 control chromosomes (gnomAD). The available data on variant occurrences in the general population are insufficient to allow any conclusion about variant significance. To our knowledge, no occurrence of c.9481A>G in individuals affected with Pontocerebellar Hypoplasia Type 3 and no experimental evidence demonstrating its impact on protein function have been reported. No clinical diagnostic laboratories have submitted clinical-significance assessments for this variant to ClinVar after 2014. Based on the evidence outlined above, the variant was classified as uncertain significance.